The following is an entry in ClinVar:

ClinVar aggregate classification (germline): Uncertain significance. Review status: criteria provided, multiple submitters, no conflicts (2 of 4 stars). 2 submissions from 2 submitters: Uncertain significance (2). Last evaluated 2022-11-21.

Conditions:
Hereditary cancer-predisposing syndrome. Also called: Hereditary Cancer Syndrome; Tumor predisposition; Hereditary neoplastic syndrome; Neoplastic Syndromes, Hereditary. Identifiers: Orphanet 140162, MedGen C0027672, MeSH D009386, MONDO:0015356.
Gorlin syndrome. Also called: Nevoid Basal Cell Carcinoma Syndrome; Basal cell nevus syndrome. Identifiers: Orphanet 377, MedGen C0004779, MONDO:0007187.

Allele frequency attached by ClinVar (database versions not stated): gnomAD exomes below 0.00001.

Submissions (2):

Ambry Genetics
Classification: Uncertain significance for Hereditary cancer-predisposing syndrome. Last evaluated: 2022-11-21. Review status: criteria provided, single submitter. Criteria: Ambry Variant Classification Scheme 2023. Collection method: clinical testing. Allele origin: germline.
Comment: The p.Y446C variant (also known as c.1337A>G), located in coding exon 9 of the PTCH1 gene, results from an A to G substitution at nucleotide position 1337. The tyrosine at codon 446 is replaced by cysteine, an amino acid with highly dissimilar properties. This amino acid position is highly conserved in available vertebrate species. In addition, this alteration is predicted to be deleterious by in silico analysis. Since supporting evidence is limited at this time, the clinical significance of this alteration remains unclear.

Labcorp Genetics (formerly Invitae), Labcorp
Classification: Uncertain significance for Gorlin syndrome. Last evaluated: 2020-01-25. Review status: criteria provided, single submitter. Criteria: Invitae Variant Classification Sherloc (09022015). Collection method: clinical testing. Allele origin: germline.
Comment: In summary, the available evidence is currently insufficient to determine the role of this variant in disease. Therefore, it has been classified as a Variant of Uncertain Significance. This sequence change replaces tyrosine with cysteine at codon 446 of the PTCH1 protein (p.Tyr446Cys). The tyrosine residue is highly conserved and there is a large physicochemical difference between tyrosine and cysteine. This variant is not present in population databases (ExAC no frequency). This variant has not been reported in the literature in individuals with PTCH1-related conditions. Algorithms developed to predict the effect of missense changes on protein structure and function are either unavailable or do not agree on the potential impact of this missense change (SIFT: "Deleterious"; PolyPhen-2: "Possibly Damaging"; Align-GVGD: "Class C0").

NM_000264.5(PTCH1):c.1337A>G (p.Tyr446Cys)

Gene: PTCH1 (patched 1; minus strand). Cytogenetic location: 9q22.32.
Variant type: single nucleotide variant.
Coding change: c.1337A>G on transcript NM_000264.5 (MANE Select); coding-DNA position 1337, A replaced by G.
Protein change: p.Tyr446Cys; replaces tyrosine 446 with cysteine.
Molecular consequence: missense variant. On other transcripts: non-coding transcript variant (1).
Genome position (GRCh38, 1-based): chr9:95,478,065, T>C on the plus strand (A>G on the coding strand, the complement: PTCH1 is on the minus strand). VCF-style: chr9-95478065-T-C. GRCh37 (hg19) VCF-style: chr9-98240347-T-C.
Other names: c.1139A>G, p.Tyr380Cys (NM_001083602.3); c.1334A>G, p.Tyr445Cys (NM_001083603.3); c.884A>G, p.Tyr295Cys (NM_001083604.3, NM_001083605.3, NM_001083606.3 and 1 more transcripts); c.1337A>G, p.Tyr446Cys (NM_001354918.2); c.1337A>G (NM_000264.3); short protein forms Y295C, Y380C, Y445C, Y446C.
Identifiers: ClinVar variation 1055130 (VCV001055130.14), dbSNP rs2118329512, ClinGen allele CA374118722.